The following is an entry in ClinVar:

NM_001164508.2(NEB):c.7569G>C (p.Lys2523Asn)

Gene: NEB (nebulin; minus strand). Cytogenetic location: 2q23.3.
Variant type: single nucleotide variant.
Coding change: c.7569G>C on transcript NM_001164508.2 (MANE Select); coding-DNA position 7569, G replaced by C.
Protein change: p.Lys2523Asn; replaces lysine 2523 with asparagine.
Molecular consequence: missense variant.
Genome position (GRCh38, 1-based): chr2:151,644,543, C>G on the plus strand (G>C on the coding strand, the complement: NEB is on the minus strand). VCF-style: chr2-151644543-C-G. GRCh37 (hg19) VCF-style: chr2-152501057-C-G.
Other names: c.7569G>C, p.Lys2523Asn (NM_001164507.2, NM_001271208.2, NM_004543.5); short protein forms K2523N.
Identifiers: ClinVar variation 1956529 (VCV001956529.2), dbSNP rs2552247694, ClinGen allele CA348783372.

ClinVar aggregate classification (germline): Uncertain significance (1 of 4 stars; one submission).

Conditions:
Nemaline myopathy 2 (NEM2). Also called: Nemaline myopathy 2, autosomal recessive. Identifiers: MedGen C1850569, MONDO:0009725, OMIM 256030.

Submission:

Labcorp Genetics (formerly Invitae), Labcorp
Classification: Uncertain significance for Nemaline myopathy 2. Last evaluated: 2022-02-23. Review status: criteria provided, single submitter. Criteria: Invitae Variant Classification Sherloc (09022015). Collection method: clinical testing. Allele origin: germline.
Comment: This sequence change replaces lysine, which is basic and polar, with asparagine, which is neutral and polar, at codon 2523 of the NEB protein (p.Lys2523Asn). This variant is not present in population databases (gnomAD no frequency). This variant has not been reported in the literature in individuals affected with NEB-related conditions. Algorithms developed to predict the effect of missense changes on protein structure and function are either unavailable or do not agree on the potential impact of this missense change (SIFT: "Deleterious"; PolyPhen-2: "Not Available"; Align-GVGD: "Class C0"). In summary, the available evidence is currently insufficient to determine the role of this variant in disease. Therefore, it has been classified as a Variant of Uncertain Significance.